The following is an entry in ClinVar:

ClinVar aggregate classification (germline): Uncertain significance. Review status: criteria provided, multiple submitters, no conflicts (2 of 4 stars). 3 submissions from 3 submitters: Uncertain significance (2). 1 of the submissions does not count toward it. Last evaluated 2022-12-26.

Conditions:
GP1BA-related disorder. Also called: GP1BA-related condition.

Allele frequency attached by ClinVar (database versions not stated): gnomAD 0.00001; TOPMed 0.00001.

Submissions (3):

Revvity Omics, Revvity
Classification: Uncertain significance. Last evaluated: 2022-12-26. Review status: criteria provided, single submitter. Criteria: ACMG Guidelines, 2015. Collection method: clinical testing. Allele origin: germline.

Blueprint Genetics
Classification: Uncertain significance. Last evaluated: 2022-11-15. Review status: criteria provided, single submitter. Criteria: ACMG Guidelines, 2015. Collection method: clinical testing. Allele origin: germline.

PreventionGenetics, part of Exact Sciences
Classification: Uncertain significance for GP1BA-related condition. Last evaluated: 2024-08-06. Review status: no assertion criteria provided. Collection method: clinical testing. Allele origin: germline. Not counted in ClinVar's aggregate classification.
Comment: The GP1BA c.1795C>T variant is predicted to result in premature protein termination (p.Arg599*). To our knowledge, this variant has not been reported in the literature. This variant is reported in 0.0018% of alleles in individuals of European (Non-Finnish) descent in gnomAD. The majority of loss-of-function variants in this gene have been reported upstream of this position (Human Gene Mutation Database), although one loss-of-function variant was reported in the de novo state in an individual with developmental disorder (supplementary table 1, Kaplanis et al. 2020. PubMed ID: 33057194). At this time, the clinical significance of this variant is uncertain due to the absence of conclusive functional and genetic evidence.

NM_000173.7(GP1BA):c.1795C>T (p.Arg599Ter)

Genes: GP1BA (glycoprotein Ib platelet subunit alpha; plus strand), LOC130060044 (ATAC-STARR-seq lymphoblastoid active region 11554; plus strand). Cytogenetic location: 17p13.2.
Variant type: single nucleotide variant.
Coding change: c.1795C>T on transcript NM_000173.7 (MANE Select); coding-DNA position 1795, C replaced by T.
Protein change: p.Arg599Ter; replaces arginine 599 with a stop codon.
Molecular consequence: nonsense.
Genome position (GRCh38, 1-based): chr17:4,934,399, C>T. VCF-style: chr17-4934399-C-T. GRCh37 (hg19) VCF-style: chr17-4837694-C-T.
Other names: c.1795C>T (NM_000173.6); short protein forms R599*.
Identifiers: ClinVar variation 2432236 (VCV002432236.5), dbSNP rs1424382030, ClinGen allele CA397322657.